The following is an entry in ClinVar:

ClinVar aggregate classification (germline): Uncertain significance. Review status: criteria provided, multiple submitters, no conflicts (2 of 4 stars). 2 submissions from 2 submitters: Uncertain significance (2). Last evaluated 2026-05-11.

Conditions:
NPHP1-related disorder. Also called: NPHP1-related disorders; NPHP1-related condition.
Nephronophthisis. Also called: Juvenile Nephronophthisis. Identifiers: Orphanet 655, MedGen C0687120, MONDO:0019005, HP:0000090.

Allele frequency attached by ClinVar (database versions not stated): gnomAD exomes below 0.00001; ExAC 0.00001; TOPMed 0.00004; gnomAD 0.00007 and 0.00008; ESP Exome Variant Server 0.00008.
gnomAD v4.1: 13 of 1,538,564 alleles (0.00084%); highest among the groups gnomAD compares: African/African-American, 0.018%; no homozygotes.

Submissions (2):

PreventionGenetics, part of Exact Sciences
Classification: Uncertain significance for NPHP1-related condition. Last evaluated: 2026-05-11. Review status: criteria provided, single submitter. Criteria: ACMG Guidelines, 2015. Collection method: clinical testing. Allele origin: germline.
Comment: The NPHP1 c.1698-4A>G variant is predicted to interfere with splicing. This variant is predicted to alter splicing based on available splicing prediction programs (SpliceAI, Jaganathan et al. 2019. PubMed ID: 30661751). To our knowledge, this variant has not been reported in the literature. This variant is reported in 0.016% of alleles in individuals of African descent in gnomAD. At this time, the clinical significance of this variant is uncertain due to the absence of conclusive functional and genetic evidence.

Labcorp Genetics (formerly Invitae), Labcorp
Classification: Uncertain significance for Nephronophthisis. Last evaluated: 2022-07-05. Review status: criteria provided, single submitter. Criteria: Invitae Variant Classification Sherloc (09022015). Collection method: clinical testing. Allele origin: germline.
Comment: This sequence change falls in intron 16 of the NPHP1 gene. It does not directly change the encoded amino acid sequence of the NPHP1 protein. This variant is present in population databases (rs370945279, gnomAD 0.02%). This variant has not been reported in the literature in individuals affected with NPHP1-related conditions. ClinVar contains an entry for this variant (Variation ID: 954707). Algorithms developed to predict the effect of sequence changes on RNA splicing suggest that this variant may create or strengthen a splice site. In summary, the available evidence is currently insufficient to determine the role of this variant in disease. Therefore, it has been classified as a Variant of Uncertain Significance.

NM_001128178.3(NPHP1):c.1530-4A>G

Gene: NPHP1 (nephrocystin 1; minus strand). Cytogenetic location: 2q13.
Variant type: single nucleotide variant.
Coding change: c.1530-4A>G on transcript NM_001128178.3 (MANE Select); 4 bases into the intron before coding-DNA position 1530, A replaced by G.
Molecular consequence: intron variant.
Genome position (GRCh38, 1-based): chr2:110,131,795, T>C on the plus strand (A>G on the coding strand, the complement: NPHP1 is on the minus strand). VCF-style: chr2-110131795-T-C. GRCh37 (hg19) VCF-style: chr2-110889372-T-C.
Other names: c.1341-4A>G (NM_001128179.3); c.1527-4A>G (NM_001374256.1); c.1530-4A>G (NM_001374257.1); c.1695-4A>G (NM_207181.4); c.1698-4A>G (NM_000272.5).
Identifiers: ClinVar variation 954707 (VCV000954707.6), dbSNP rs370945279, ClinGen allele CA1826977.